The following is an entry in ClinVar:

ClinVar aggregate classification (germline): Benign (1 of 4 stars; one submission).

Conditions:
Amyotrophic lateral sclerosis type 6. Also called: FUS-Related Amyotrophic Laterial Sclerosis; AMYOTROPHIC LATERAL SCLEROSIS 6 WITHOUT FRONTOTEMPORAL DEMENTIA; Amyotrophic lateral sclerosis 6, with or without frontotemporal dementia. Identifiers: Orphanet 275872, Orphanet 803, MedGen C2931786, MONDO:0011951, OMIM 608030.

Allele frequency attached by ClinVar (database versions not stated): gnomAD 0.00004 and 0.00005; TOPMed 0.00009; gnomAD exomes 0.00014 and 0.00004; ExAC 0.00019; 1000 Genomes Project 30x 0.00016; 1000 Genomes Project 0.00020.
gnomAD v4.1: 23 of 522,014 alleles (0.0044%); highest among the groups gnomAD compares: East Asian, 0.087%; no homozygotes.

Submission:

Illumina Laboratory Services, Illumina
Classification: Benign for Amyotrophic lateral sclerosis type 6. Last evaluated: 2018-01-13. Review status: criteria provided, single submitter. Criteria: ICSL Variant Classification Criteria 13 December 2019. Collection method: clinical testing. Allele origin: germline.
Comment: This variant was observed in the ICSL laboratory as part of a predisposition screen in an ostensibly healthy population. It had not been previously curated by ICSL or reported in the Human Gene Mutation Database (HGMD: prior to June 1st, 2018), and was therefore a candidate for classification through an automated scoring system. Utilizing variant allele frequency, disease prevalence and penetrance estimates, and inheritance mode, an automated score was calculated to assess if this variant is too frequent to cause the disease. Based on the score and internal cut-off values, a variant classified as benign is not then subjected to further curation. The score for this variant resulted in a classification of benign for this disease.

NM_004960.3(FUS):c.*1883T>C

Gene: FUS (FUS DNA/RNA binding protein; plus strand). Cytogenetic location: 16p11.2.
Variant type: single nucleotide variant.
Coding change: c.*1883T>C on transcript NM_004960.3; 1883 bases downstream of the stop codon, T replaced by C.
Molecular consequence: 3 prime UTR variant (on NM_001170937.1). On other transcripts: non-coding transcript variant (1).
Genome position (GRCh38, 1-based): chr16:31,193,321, T>C. VCF-style: chr16-31193321-T-C. GRCh37 (hg19) VCF-style: chr16-31204642-T-C.
Other names: c.*1883T>C (NM_001170937.1, NM_001170634.1).
Identifiers: ClinVar variation 319028 (VCV000319028.7), dbSNP rs549012470, ClinGen allele CA8024283.
Genomic context (GRCh38, chr16:31,193,321, plus strand): 5'-CTCTCTAAGCAACAGTAGGCGGAGAGTGGTCTGGCGTATTAAAAACAAAGGATCGTCAAG[T>C]GGGCCTTCCCAGGCATTGCTTTGACTTAGTACATGTAGAGGATGTGGCAGTTCTCTCCGT-3'